The following is an entry in ClinVar:

ClinVar aggregate classification (germline): Likely pathogenic (1 of 4 stars; one submission).

Conditions:
CDH3-related disorder. Also called: CDH3-related condition.

Submission:

PreventionGenetics, part of Exact Sciences
Classification: Likely pathogenic for CDH3-related condition. Last evaluated: 2026-08-19. Review status: criteria provided, single submitter. Criteria: ACMG Guidelines, 2015. Collection method: clinical testing. Allele origin: germline.
Comment: The CDH3 c.2002+1G>T variant is predicted to disrupt the GT donor site and interfere with normal splicing. To our knowledge, this variant has not been reported in the literature or in a large population database (gnomAD), indicating this variant is rare. Variants that disrupt the consensus splice donor site in CDH3 are expected to be pathogenic. This variant is interpreted as likely pathogenic.

NM_001793.6(CDH3):c.2002+1G>T

Gene: CDH3 (cadherin 3; plus strand). Cytogenetic location: 16q22.1.
Variant type: single nucleotide variant.
Coding change: c.2002+1G>T on transcript NM_001793.6 (MANE Select); the canonical splice donor site of the intron after coding-DNA position 2002, G replaced by T.
Molecular consequence: splice donor variant.
Genome position (GRCh38, 1-based): chr16:68,691,927, G>T. VCF-style: chr16-68691927-G-T. GRCh37 (hg19) VCF-style: chr16-68725830-G-T.
Other names: c.1837+1G>T (NM_001317196.2); c.2002+1G>T (NM_001317195.3).
Identifiers: ClinVar variation 4993776 (VCV004993776.1).
Genomic context (GRCh38, chr16:68,691,927, plus strand): 5'-CTGGACCCTGGAAGGGAGGTTTCATCCTCCCTGTGCTGGGGGCTGTCCTGGCTCTGCTGT[G>T]TGAGTACCAGGCCCCCACCCCCTCCCTGAGGATGGGGGAGTTGAAAGACTGGATTCTACC-3'